The following is an entry in ClinVar:

NM_004415.4(DSP):c.1426G>A (p.Val476Met)

Gene: DSP (desmoplakin; plus strand). Cytogenetic location: 6p24.3.
Variant type: single nucleotide variant.
Coding change: c.1426G>A on transcript NM_004415.4 (MANE Select); coding-DNA position 1426, G replaced by A.
Protein change: p.Val476Met; replaces valine 476 with methionine.
Molecular consequence: missense variant.
Genome position (GRCh38, 1-based): chr6:7,569,192, G>A. VCF-style: chr6-7569192-G-A. GRCh37 (hg19) VCF-style: chr6-7569425-G-A.
Other names: p.V476M:GTG>ATG; c.1426G>A, p.Val476Met (NM_001008844.3, NM_001319034.2); c.1426G>A (LRG_423t1); short protein forms V476M.
Identifiers: ClinVar variation 199860 (VCV000199860.18), dbSNP rs367987327, ClinGen allele CA004943.

ClinVar aggregate classification (germline): Conflicting classifications of pathogenicity. Review status: criteria provided, conflicting classifications (1 of 4 stars). 6 submissions from 6 submitters: Uncertain significance (5); Likely benign (1). Last evaluated 2026-01-19.

Conditions:
Cardiovascular phenotype. Identifiers: MedGen CN230736.
Arrhythmogenic right ventricular dysplasia 8 (ARVD8). Also called: ARRHYTHMOGENIC RIGHT VENTRICULAR DYSPLASIA, FAMILIAL, 8; ARRHYTHMOGENIC RIGHT VENTRICULAR CARDIOMYOPATHY 8; Arrhythmogenic Right Ventricular Dysplasia/Cardiomyopathy 8. Identifiers: MedGen C1843896, MONDO:0011831, OMIM 607450.
Arrhythmogenic cardiomyopathy with wooly hair and keratoderma. Also called: Arrhythmogenic cardiomyopathy with woolly hair and keratoderma; Carvajal syndrome; Dilated cardiomyopathy with woolly hair and keratoderma; PALMOPLANTAR KERATODERMA WITH LEFT VENTRICULAR CARDIOMYOPATHY AND WOOLLY HAIR. Identifiers: Orphanet 65282, MedGen C1854063, MONDO:0011581, OMIM 605676.
Cardiomyopathy (CMYO). Also called: Cardiomyopathies. Identifiers: Orphanet 167848, MedGen C0878544, MONDO:0004994, HP:0001638. Inheritance: Various modes of inheritance.

Allele frequency attached by ClinVar (database versions not stated): TOPMed 0.00002; ESP Exome Variant Server 0.00015; 1000 Genomes Project 0.00020; 1000 Genomes Project 30x 0.00031.
gnomAD v4.1: 20 of 1,614,168 alleles (0.0012%); highest among the groups gnomAD compares: Middle Eastern, 0.033%; 1 homozygote.

Submissions (6):

Labcorp Genetics (formerly Invitae), Labcorp
Classification: Likely benign for Arrhythmogenic cardiomyopathy with wooly hair and keratoderma; Arrhythmogenic right ventricular dysplasia 8. Last evaluated: 2026-01-19. Review status: criteria provided, single submitter. Criteria: Invitae Variant Classification Sherloc (09022015). Collection method: clinical testing. Allele origin: germline.

Ambry Genetics
Classification: Uncertain significance for Cardiovascular phenotype. Last evaluated: 2024-09-09. Review status: criteria provided, single submitter. Criteria: Ambry Variant Classification Scheme 2023. Collection method: clinical testing. Allele origin: germline.
Comment: The p.V476M variant (also known as c.1426G>A), located in coding exon 12 of the DSP gene, results from a G to A substitution at nucleotide position 1426. The valine at codon 476 is replaced by methionine, an amino acid with highly similar properties. This amino acid position is not well conserved in available vertebrate species. In addition, the in silico prediction for this alteration is inconclusive. Based on the available evidence, the clinical significance of this variant remains unclear.

All of Us Research Program, National Institutes of Health
Classification: Uncertain significance for Arrhythmogenic cardiomyopathy with wooly hair and keratoderma. Last evaluated: 2024-02-22. Review status: criteria provided, single submitter. Criteria: ACMG Guidelines, 2015. Collection method: clinical testing. Allele origin: germline. Inheritance: Autosomal dominant inheritance. Observed: 10 variant alleles, 10 heterozygotes.
Comment: This missense variant replaces valine with methionine at codon 476 of the DSP protein. Computational prediction suggests that this variant may not impact protein structure and function (internally defined REVEL score threshold <= 0.5, PMID: 27666373). To our knowledge, functional studies have not been reported for this variant. This variant has not been reported in individuals affected with cardiovascular disorders in the literature. This variant has been identified in 5/251430 chromosomes in the general population by the Genome Aggregation Database (gnomAD). The available evidence is insufficient to determine the role of this variant in disease conclusively. Therefore, this variant is classified as a Variant of Uncertain Significance.

This study involves interpretation of variants in research participants for the purpose of population health screening. Participant phenotype was not available at the time of variant classification. Additional details can be found in publication PMID: 35346344, PMCID: PMC8962531

Color Diagnostics, LLC DBA Color Health
Classification: Uncertain significance for Cardiomyopathy. Last evaluated: 2024-02-07. Review status: criteria provided, single submitter. Criteria: ACMG Guidelines, 2015. Collection method: clinical testing. Allele origin: germline.
Comment: This missense variant replaces valine with methionine at codon 476 of the DSP protein. Computational prediction suggests that this variant may not impact protein structure and function (internally defined REVEL score threshold <= 0.5, PMID: 27666373). To our knowledge, functional studies have not been reported for this variant. This variant has not been reported in individuals affected with cardiovascular disorders in the literature. This variant has been identified in 5/251430 chromosomes in the general population by the Genome Aggregation Database (gnomAD). The available evidence is insufficient to determine the role of this variant in disease conclusively. Therefore, this variant is classified as a Variant of Uncertain Significance.

Blueprint Genetics
Classification: Uncertain significance. Last evaluated: 2021-07-16. Review status: criteria provided, single submitter. Criteria: ACMG Guidelines, 2015. Collection method: clinical testing. Allele origin: germline.

GeneDx
Classification: Uncertain significance. Last evaluated: 2014-07-10. Review status: criteria provided, single submitter. Criteria: GeneDx Variant Classification (06012015). Collection method: clinical testing. Allele origin: germline. Affected: yes.
Comment: p.Val476Met (GTG>ATG): c.1426 G>A in exon 12 of the DSP gene (NM_004415.2). The V476M variant has not been published as a mutation or as a benign polymorphism to our knowledge. The V476M variant was not observed with any significant frequency in approximately 6,500 individuals of European and African American ancestry in the NHLBI Exome Sequencing Project. In addition, this substitution occurs at a position that is completely conserved in mammals. Moreover, in silico analysis predicts this variant is probably damaging to the protein structure/function. Furthermore, a missense mutations in a nearby residue (K470E) have been reported in association with ARVC, supporting the functional importance of this region of the protein. Nevertheless, the V476M variant is a conservative amino acid substitution, which is not likely to impact secondary protein structure as these residues share similar properties. Therefore, based on the currently available information, it is unclear whether this variant is a pathogenic mutation or a rare benign variant. The variant is found in CARDIOMYOPATHY panel(s).